The following is an entry in ClinVar:

ClinVar aggregate classification (germline): Benign. Review status: criteria provided, multiple submitters, no conflicts (2 of 4 stars). 5 submissions from 5 submitters: Benign (5). Last evaluated 2026-02-04.

Conditions:
Atrial conduction disease. Identifiers: Orphanet 436242, MedGen CN221670, MONDO:0014500.

Allele frequency attached by ClinVar (database versions not stated): ESP Exome Variant Server 0.00746; TOPMed 0.00787; 1000 Genomes Project 0.00919; 1000 Genomes Project 30x 0.00968.
gnomAD v4.1: 2,177 of 1,612,432 alleles (0.14%); highest among the groups gnomAD compares: African/African-American, 2.6%; 27 homozygotes.

Submissions (5):

Labcorp Genetics (formerly Invitae), Labcorp
Classification: Benign. Last evaluated: 2026-02-04. Review status: criteria provided, single submitter. Criteria: Invitae Variant Classification Sherloc (09022015). Collection method: clinical testing. Allele origin: germline.

Molecular Diagnostic Laboratory for Inherited Cardiovascular Disease, Montreal Heart Institute
Classification: Benign. Last evaluated: 2025-04-09. Review status: criteria provided, single submitter. Criteria: ACMG Guidelines, 2015. Collection method: clinical testing. Allele origin: germline. Affected: no.

ARUP Laboratories, Molecular Genetics and Genomics, ARUP Laboratories
Classification: Benign for Cardiac conduction disease with or without dilated cardiomyopathy 1. Last evaluated: 2024-05-14. Review status: criteria provided, single submitter. Criteria: ARUP Molecular Germline Variant Investigation Process 2024. Collection method: clinical testing. Allele origin: germline.

Mayo Clinic Laboratories, Mayo Clinic
Classification: Benign. Last evaluated: 2024-03-11. Review status: criteria provided, single submitter. Criteria: ACMG Guidelines, 2015. Collection method: clinical testing. Allele origin: germline. Observed: 10 variant alleles.
Comment: BS1, BS2, BP4, BP7

Breakthrough Genomics
Classification: Benign. Review status: criteria provided, single submitter. Criteria: ACMG Guidelines, 2015. Collection method: not provided. Allele origin: germline. Inheritance: Autosomal dominant inheritance. Affected: yes.

NM_015978.3(TNNI3K):c.1620A>G (p.Gln540=)

Genes: FPGT-TNNI3K (FPGT-TNNI3K readthrough; plus strand), TNNI3K (TNNI3 interacting kinase; plus strand). Cytogenetic location: 1p31.1.
Variant type: single nucleotide variant.
Coding change: c.1620A>G on transcript NM_015978.3 (MANE Select); coding-DNA position 1620, A replaced by G.
Protein change: p.Gln540=; no amino-acid change (glutamine 540 retained).
Molecular consequence: synonymous variant.
Genome position (GRCh38, 1-based): chr1:74,369,538, A>G. VCF-style: chr1-74369538-A-G. GRCh37 (hg19) VCF-style: chr1-74835222-A-G.
Other names: p.Gln540=; c.1923A>G, p.Gln641= (NM_001112808.3, NM_001199327.2).
Identifiers: ClinVar variation 785939 (VCV000785939.14), dbSNP rs55654209, ClinGen allele CA909335.